The following is an entry in ClinVar:

NM_000066.4(C8B):c.1641G>C (p.Lys547Asn)

Gene: C8B (complement C8 beta chain; minus strand). Cytogenetic location: 1p32.2.
Variant type: single nucleotide variant.
Coding change: c.1641G>C on transcript NM_000066.4 (MANE Select); coding-DNA position 1641, G replaced by C.
Protein change: p.Lys547Asn; replaces lysine 547 with asparagine.
Molecular consequence: missense variant.
Genome position (GRCh38, 1-based): chr1:56,929,539, C>G on the plus strand (G>C on the coding strand, the complement: C8B is on the minus strand). VCF-style: chr1-56929539-C-G. GRCh37 (hg19) VCF-style: chr1-57395212-C-G.
Other names: c.1485G>C, p.Lys495Asn (NM_001278543.2); c.1455G>C, p.Lys485Asn (NM_001278544.2); short protein forms K547N, K495N, K485N.
Identifiers: ClinVar variation 1935119 (VCV001935119.5), dbSNP rs777478006, ClinGen allele CA340519100.

ClinVar aggregate classification (germline): Uncertain significance (1 of 4 stars; one submission).

Allele frequency attached by ClinVar (database versions not stated): TOPMed below 0.00001.
gnomAD v4.1: 3 of 1,613,804 alleles (0.00019%); highest among the groups gnomAD compares: Admixed American, 0.0033%; no homozygotes.

Submission:

Labcorp Genetics (formerly Invitae), Labcorp
Classification: Uncertain significance. Last evaluated: 2025-05-13. Review status: criteria provided, single submitter. Criteria: Invitae Variant Classification Sherloc (09022015). Collection method: clinical testing. Allele origin: germline.
Comment: This sequence change replaces lysine, which is basic and polar, with asparagine, which is neutral and polar, at codon 547 of the C8B protein (p.Lys547Asn). This variant is present in population databases (no rsID available, gnomAD 0.01%). This variant has not been reported in the literature in individuals affected with C8B-related conditions. ClinVar contains an entry for this variant (Variation ID: 1935119). An algorithm developed to predict the effect of missense changes on protein structure and function outputs the following: PolyPhen-2: "Benign". The asparagine amino acid residue is found in multiple mammalian species, which suggests that this missense change does not adversely affect protein function. In summary, the available evidence is currently insufficient to determine the role of this variant in disease. Therefore, it has been classified as a Variant of Uncertain Significance.